The following is an entry in ClinVar:

ClinVar aggregate classification (germline): Uncertain significance (1 of 4 stars; one submission).

Conditions:
Rhabdoid tumor predisposition syndrome 2 (RTPS2). Identifiers: Orphanet 231108, Orphanet 69077, MedGen C2750074, MONDO:0013224, OMIM 613325.

Submission:

Labcorp Genetics (formerly Invitae), Labcorp
Classification: Uncertain significance for Rhabdoid tumor predisposition syndrome 2. Last evaluated: 2022-08-20. Review status: criteria provided, single submitter. Criteria: Invitae Variant Classification Sherloc (09022015). Collection method: clinical testing. Allele origin: germline.
Comment: In summary, the available evidence is currently insufficient to determine the role of this variant in disease. Therefore, it has been classified as a Variant of Uncertain Significance. Algorithms developed to predict the effect of missense changes on protein structure and function are either unavailable or do not agree on the potential impact of this missense change (SIFT: "Deleterious"; PolyPhen-2: "Possibly Damaging"; Align-GVGD: "Class C0"). This variant has not been reported in the literature in individuals affected with SMARCA4-related conditions. This variant is not present in population databases (gnomAD no frequency). This sequence change replaces isoleucine, which is neutral and non-polar, with methionine, which is neutral and non-polar, at codon 869 of the SMARCA4 protein (p.Ile869Met).

NM_003072.5(SMARCA4):c.2607C>G (p.Ile869Met)

Gene: SMARCA4 (SWI/SNF related BAF chromatin remodeling complex subunit ATPase 4; plus strand). Cytogenetic location: 19p13.2.
Variant type: single nucleotide variant.
Coding change: c.2607C>G on transcript NM_003072.5 (MANE Select); coding-DNA position 2607, C replaced by G.
Protein change: p.Ile869Met; replaces isoleucine 869 with methionine.
Molecular consequence: missense variant. On other transcripts: non-coding transcript variant (1).
Genome position (GRCh38, 1-based): chr19:11,019,692, C>G. VCF-style: chr19-11019692-C-G. GRCh37 (hg19) VCF-style: chr19-11130368-C-G.
Other names: c.2607C>G, p.Ile869Met (NM_001128844.3, NM_001128845.2, NM_001128846.2 and 6 more transcripts); short protein forms I869M.
Identifiers: ClinVar variation 1717154 (VCV001717154.5), dbSNP rs1315219565, ClinGen allele CA404054777.